The following is an entry in ClinVar:

NM_018122.5(DARS2):c.228-12C>G

Gene: DARS2 (aspartyl-tRNA synthetase 2, mitochondrial; plus strand). Cytogenetic location: 1q25.1.
Variant type: single nucleotide variant.
Coding change: c.228-12C>G on transcript NM_018122.5 (MANE Select); 12 bases into the intron before coding-DNA position 228, C replaced by G.
Molecular consequence: intron variant.
Genome position (GRCh38, 1-based): chr1:173,828,321, C>G. VCF-style: chr1-173828321-C-G. GRCh37 (hg19) VCF-style: chr1-173797459-C-G.
Other names: c.228-12C>G (NM_001365212.1, NM_001365213.2).
Identifiers: ClinVar variation 137070 (VCV000137070.31), dbSNP rs9425753, ClinGen allele CA290568.

ClinVar aggregate classification (germline): Benign. Review status: criteria provided, multiple submitters, no conflicts (2 of 4 stars). 10 submissions from 10 submitters: Benign (7). 3 of the submissions do not count toward it. Last evaluated 2026-01-29.

Conditions:
Leukoencephalopathy with brain stem and spinal cord involvement-high lactate syndrome (LBSL). Also called: Leukoencephalopathy with Brainstem and Spinal Cord Involvement and Lactate Elevation; LEUKOENCEPHALOPATHY WITH BRAINSTEM AND SPINAL CORD INVOLVEMENT AND LACTATE ELEVATION, MILD; MITOCHONDRIAL ASPARTYL-tRNA SYNTHETASE DEFICIENCY. Identifiers: Orphanet 137898, MedGen C1970180, MONDO:0012622, OMIM 611105.

Allele frequency attached by ClinVar (database versions not stated): ESP Exome Variant Server 0.03306; 1000 Genomes Project 0.07216; TOPMed 0.08784; 1000 Genomes Project 30x 0.10478.

Submissions (30):

Labcorp Genetics (formerly Invitae), Labcorp
Classification: Benign. Last evaluated: 2026-01-29. Review status: criteria provided, single submitter. Criteria: Invitae Variant Classification Sherloc (09022015). Collection method: clinical testing. Allele origin: germline.

ARUP Laboratories, Molecular Genetics and Genomics, ARUP Laboratories
Classification: Benign for Leukoencephalopathy with brain stem and spinal cord involvement-high lactate syndrome. Last evaluated: 2023-11-29. Review status: criteria provided, single submitter. Criteria: ARUP Molecular Germline Variant Investigation Process 2024. Collection method: clinical testing. Allele origin: germline.

Genome-Nilou Lab
Classification: Benign for Leukoencephalopathy with brain stem and spinal cord involvement-high lactate syndrome. Last evaluated: 2023-04-11. Review status: criteria provided, single submitter. Criteria: ACMG Guidelines, 2015. Collection method: clinical testing. Allele origin: germline. Affected: no.

Institute of Human Genetics, University of Leipzig Medical Center
Classification: Benign for Leukoencephalopathy with brain stem and spinal cord involvement-high lactate syndrome. Last evaluated: 2020-03-01. Review status: criteria provided, single submitter. Criteria: ACMG Guidelines, 2015. Collection method: clinical testing. Allele origin: biparental. Inheritance: Autosomal recessive inheritance. Affected: yes.
Comment: Review of the variants reported in Reuter et al., 2017, PMID: 28097321: BS1,BS2

GeneDx
Classification: Benign. Last evaluated: 2019-01-17. Review status: criteria provided, single submitter. Criteria: GeneDx Variant Classification Process June 2021. Collection method: clinical testing. Allele origin: germline. Affected: yes.
Comment: This variant is associated with the following publications: (PMID: 28097321, 23065766, 27884173, 21427441)

Illumina Laboratory Services, Illumina
Classification: Benign for Leukoencephalopathy with brain stem and spinal cord involvement-high lactate syndrome. Last evaluated: 2017-04-27. Review status: criteria provided, single submitter. Criteria: ICSL Variant Classification Criteria 13 December 2019. Collection method: clinical testing. Allele origin: germline.
Comment: This variant was observed as part of a predisposition screen in an ostensibly healthy population. A literature search was performed for the gene, cDNA change, and amino acid change (where applicable). Publications were found based on this search. The evidence from the literature, in combination with allele frequency data from public databases where available, was sufficient to rule this variant out of causing disease. Therefore, this variant is classified as benign.

Breakthrough Genomics
Classification: Benign. Review status: criteria provided, single submitter. Criteria: ACMG Guidelines, 2015. Collection method: not provided. Allele origin: germline. Inheritance: Autosomal recessive inheritance. Affected: yes.

Mayo Clinic Laboratories, Mayo Clinic
Classification: Benign. Last evaluated: 2016-03-16. Review status: no assertion criteria provided. Collection method: clinical testing. Allele origin: unknown. Not counted in ClinVar's aggregate classification.

Dr. Peter K. Rogan Lab, Western University
No classification provided (evidence only). Condition: Ovarian serous cystadenocarcinoma. Review status: no classification provided. Collection method: in vitro. Allele origin: not applicable. Functional consequence: retained intron. Not counted in ClinVar's aggregate classification.

Dr. Peter K. Rogan Lab, Western University
No classification provided (evidence only). Condition: Gastric cancer. Review status: no classification provided. Collection method: in vitro. Allele origin: not applicable. Functional consequence: retained intron. Not counted in ClinVar's aggregate classification.

Dr. Peter K. Rogan Lab, Western University
No classification provided (evidence only). Condition: Gastric cancer. Review status: no classification provided. Collection method: in vitro. Allele origin: not applicable. Functional consequence: retained intron. Not counted in ClinVar's aggregate classification.

Dr. Peter K. Rogan Lab, Western University
No classification provided (evidence only). Condition: Uterine carcinosarcoma. Review status: no classification provided. Collection method: in vitro. Allele origin: not applicable. Functional consequence: skipped exon, retained intron. Not counted in ClinVar's aggregate classification.

Dr. Peter K. Rogan Lab, Western University
No classification provided (evidence only). Condition: Malignant tumor of esophagus. Review status: no classification provided. Collection method: in vitro. Allele origin: not applicable. Functional consequence: skipped exon. Not counted in ClinVar's aggregate classification.

Dr. Peter K. Rogan Lab, Western University
No classification provided (evidence only). Condition: Malignant tumor of esophagus. Review status: no classification provided. Collection method: in vitro. Allele origin: not applicable. Functional consequence: retained intron. Not counted in ClinVar's aggregate classification.

Dr. Peter K. Rogan Lab, Western University
No classification provided (evidence only). Condition: Clear cell carcinoma of kidney. Review status: no classification provided. Collection method: in vitro. Allele origin: not applicable. Functional consequence: skipped exon. Not counted in ClinVar's aggregate classification.

Dr. Peter K. Rogan Lab, Western University
No classification provided (evidence only). Condition: Lung cancer. Review status: no classification provided. Collection method: in vitro. Allele origin: not applicable. Functional consequence: retained intron. Not counted in ClinVar's aggregate classification.

Dr. Peter K. Rogan Lab, Western University
No classification provided (evidence only). Condition: Lung cancer. Review status: no classification provided. Collection method: in vitro. Allele origin: not applicable. Functional consequence: skipped exon. Not counted in ClinVar's aggregate classification.

Dr. Peter K. Rogan Lab, Western University
No classification provided (evidence only). Condition: Acute myeloid leukemia. Review status: no classification provided. Collection method: in vitro. Allele origin: not applicable. Functional consequence: retained intron. Not counted in ClinVar's aggregate classification.

Dr. Peter K. Rogan Lab, Western University
No classification provided (evidence only). Condition: Cervical cancer. Review status: no classification provided. Collection method: in vitro. Allele origin: not applicable. Functional consequence: retained intron. Not counted in ClinVar's aggregate classification.

Dr. Peter K. Rogan Lab, Western University
No classification provided (evidence only). Condition: Cervical cancer. Review status: no classification provided. Collection method: in vitro. Allele origin: not applicable. Functional consequence: skipped exon. Not counted in ClinVar's aggregate classification.

Dr. Peter K. Rogan Lab, Western University
No classification provided (evidence only). Condition: Cervical cancer. Review status: no classification provided. Collection method: in vitro. Allele origin: not applicable. Functional consequence: retained intron. Not counted in ClinVar's aggregate classification.

Dr. Peter K. Rogan Lab, Western University
No classification provided (evidence only). Condition: Cervical cancer. Review status: no classification provided. Collection method: in vitro. Allele origin: not applicable. Functional consequence: retained intron. Not counted in ClinVar's aggregate classification.

Dr. Peter K. Rogan Lab, Western University
No classification provided (evidence only). Condition: Sarcoma. Review status: no classification provided. Collection method: in vitro. Allele origin: not applicable. Functional consequence: retained intron. Not counted in ClinVar's aggregate classification.

Dr. Peter K. Rogan Lab, Western University
No classification provided (evidence only). Condition: Sarcoma. Review status: no classification provided. Collection method: in vitro. Allele origin: not applicable. Functional consequence: skipped exon. Not counted in ClinVar's aggregate classification.

Dr. Peter K. Rogan Lab, Western University
No classification provided (evidence only). Condition: Thymoma. Review status: no classification provided. Collection method: in vitro. Allele origin: not applicable. Functional consequence: retained intron. Not counted in ClinVar's aggregate classification.

Dr. Peter K. Rogan Lab, Western University
No classification provided (evidence only). Condition: Cholangiocarcinoma. Review status: no classification provided. Collection method: in vitro. Allele origin: not applicable. Functional consequence: retained intron. Not counted in ClinVar's aggregate classification.

Dr. Peter K. Rogan Lab, Western University
No classification provided (evidence only). Condition: Cholangiocarcinoma. Review status: no classification provided. Collection method: in vitro. Allele origin: not applicable. Functional consequence: skipped exon, retained intron. Not counted in ClinVar's aggregate classification.

Dr. Peter K. Rogan Lab, Western University
No classification provided (evidence only). Condition: Ovarian serous cystadenocarcinoma. Review status: no classification provided. Collection method: in vitro. Allele origin: not applicable. Functional consequence: retained intron. Not counted in ClinVar's aggregate classification.

Genome Diagnostics Laboratory, University Medical Center Utrecht
Classification: Likely benign. Review status: no assertion criteria provided. Collection method: clinical testing. Allele origin: germline. Affected: yes. Study: VKGL Data-share Consensus. Not counted in ClinVar's aggregate classification.

Laboratory of Diagnostic Genome Analysis, Leiden University Medical Center (LUMC)
Classification: Likely benign. Review status: no assertion criteria provided. Collection method: clinical testing. Allele origin: germline. Affected: yes. Study: VKGL Data-share Consensus. Not counted in ClinVar's aggregate classification.

Literature cited by the submitters: PubMed 21493805 (cited by Illumina Laboratory Services, Illumina).